The following is an entry in ClinVar:

ClinVar aggregate classification (germline): Likely benign (1 of 4 stars; one submission).

Conditions:
SOX3-related disorder. Also called: SOX3-related condition; SOX3-Related Disorders.

gnomAD v4.1: 12 of 1,207,772 alleles (0.00099%); highest among the groups gnomAD compares: Admixed American, 0.02%; no homozygotes.

Submission:

PreventionGenetics, part of Exact Sciences
Classification: Likely benign for SOX3-related condition. Last evaluated: 2025-04-18. Review status: criteria provided, single submitter. Criteria: ACMG Guidelines, 2015. Collection method: clinical testing. Allele origin: germline.
Comment: This variant is classified as likely benign based on ACMG/AMP sequence variant interpretation guidelines (Richards et al. 2015 PMID: 25741868, with internal and published modifications).

NM_005634.3(SOX3):c.402A>G (p.Thr134=)

Gene: SOX3 (SRY-box transcription factor 3; minus strand). Cytogenetic location: Xq27.1.
Variant type: single nucleotide variant.
Coding change: c.402A>G on transcript NM_005634.3 (MANE Select); coding-DNA position 402, A replaced by G.
Protein change: p.Thr134=; no amino-acid change (threonine 134 retained).
Molecular consequence: synonymous variant.
Genome position (GRCh38, 1-based): chrX:140,504,659, T>C on the plus strand (A>G on the coding strand, the complement: SOX3 is on the minus strand). VCF-style: chrX-140504659-T-C. GRCh37 (hg19) VCF-style: chrX-139586824-T-C.
Identifiers: ClinVar variation 4985938 (VCV004985938.1).